The following is an entry in ClinVar:

NM_001184.4(ATR):c.841G>A (p.Val281Ile)

Gene: ATR (ATR checkpoint kinase; minus strand). Cytogenetic location: 3q23.
Variant type: single nucleotide variant.
Coding change: c.841G>A on transcript NM_001184.4 (MANE Select); coding-DNA position 841, G replaced by A.
Protein change: p.Val281Ile; replaces valine 281 with isoleucine.
Molecular consequence: missense variant.
Genome position (GRCh38, 1-based): chr3:142,562,561, C>T on the plus strand (G>A on the coding strand, the complement: ATR is on the minus strand). VCF-style: chr3-142562561-C-T. GRCh37 (hg19) VCF-style: chr3-142281403-C-T.
Other names: c.841G>A, p.Val281Ile (NM_001354579.2); short protein forms V281I.
Identifiers: ClinVar variation 1763320 (VCV001763320.2), dbSNP rs2108487549, ClinGen allele CA354825307.

ClinVar aggregate classification (germline): Uncertain significance (1 of 4 stars; one submission).

Conditions:
Inborn genetic diseases. Identifiers: MedGen C0950123, MeSH D030342.

Submission:

Ambry Genetics
Classification: Uncertain significance for Inborn genetic diseases. Last evaluated: 2022-02-22. Review status: criteria provided, single submitter. Criteria: Ambry Variant Classification Scheme 2023. Collection method: clinical testing. Allele origin: germline.
Comment: The p.V281I variant (also known as c.841G>A), located in coding exon 4 of the ATR gene, results from a G to A substitution at nucleotide position 841. The valine at codon 281 is replaced by isoleucine, an amino acid with highly similar properties. This amino acid position is conserved. In addition, this alteration is predicted to be tolerated by in silico analysis. Since supporting evidence is limited at this time, the clinical significance of this alteration remains unclear.